The following is an entry in ClinVar:

ClinVar aggregate classification (germline): Uncertain significance. Review status: criteria provided, multiple submitters, no conflicts (2 of 4 stars). 2 submissions from 2 submitters: Uncertain significance (2). Last evaluated 2024-01-17.

Conditions:
Inborn genetic diseases. Identifiers: MedGen C0950123, MeSH D030342.
Spastic paraplegia. Identifiers: MedGen C0037772, HP:0001258.

Allele frequency attached by ClinVar (database versions not stated): TOPMed below 0.00001; gnomAD 0.00001.

Submissions (2):

Ambry Genetics
Classification: Uncertain significance for Inborn genetic diseases. Last evaluated: 2024-01-17. Review status: criteria provided, single submitter. Criteria: Ambry Variant Classification Scheme 2023. Collection method: clinical testing. Allele origin: germline.

Labcorp Genetics (formerly Invitae), Labcorp
Classification: Uncertain significance for Spastic paraplegia. Last evaluated: 2021-08-14. Review status: criteria provided, single submitter. Criteria: Invitae Variant Classification Sherloc (09022015). Collection method: clinical testing. Allele origin: germline.
Comment: This sequence change replaces arginine with tryptophan at codon 38 of the CYP7B1 protein (p.Arg38Trp). The arginine residue is weakly conserved and there is a moderate physicochemical difference between arginine and tryptophan. The frequency data for this variant in the population databases is considered unreliable, as metrics indicate insufficient coverage at this position in the ExAC database. This variant has not been reported in the literature in individuals affected with CYP7B1-related conditions. Algorithms developed to predict the effect of missense changes on protein structure and function are either unavailable or do not agree on the potential impact of this missense change (SIFT: "Deleterious"; PolyPhen-2: "Benign"; Align-GVGD: "Class C0"). In summary, the available evidence is currently insufficient to determine the role of this variant in disease. Therefore, it has been classified as a Variant of Uncertain Significance.

NM_004820.5(CYP7B1):c.112C>T (p.Arg38Trp)

Gene: CYP7B1 (cytochrome P450 family 7 subfamily B member 1; minus strand). Cytogenetic location: 8q12.3.
Variant type: single nucleotide variant.
Coding change: c.112C>T on transcript NM_004820.5 (MANE Select); coding-DNA position 112, C replaced by T.
Protein change: p.Arg38Trp; replaces arginine 38 with tryptophan.
Molecular consequence: missense variant.
Genome position (GRCh38, 1-based): chr8:64,798,476, G>A on the plus strand (C>T on the coding strand, the complement: CYP7B1 is on the minus strand). VCF-style: chr8-64798476-G-A. GRCh37 (hg19) VCF-style: chr8-65711033-G-A.
Other names: c.112C>T, p.Arg38Trp (NM_001324112.2); c.112C>T (NM_004820.3); short protein forms R38W.
Identifiers: ClinVar variation 1522594 (VCV001522594.6), dbSNP rs1169097528, ClinGen allele CA371408147.